The following is an entry in ClinVar:

NM_001848.3(COL6A1):c.2986G>A (p.Val996Met)

Gene: COL6A1 (collagen type VI alpha 1 chain; plus strand). Cytogenetic location: 21q22.3.
Variant type: single nucleotide variant.
Coding change: c.2986G>A on transcript NM_001848.3 (MANE Select); coding-DNA position 2986, G replaced by A.
Protein change: p.Val996Met; replaces valine 996 with methionine.
Molecular consequence: missense variant.
Genome position (GRCh38, 1-based): chr21:46,003,912, G>A. VCF-style: chr21-46003912-G-A. GRCh37 (hg19) VCF-style: chr21-47423826-G-A.
Other names: c.2986G>A (NM_001848.2); short protein forms V996M.
Identifiers: ClinVar variation 283745 (VCV000283745.13), dbSNP rs764765574, ClinGen allele CA10071097.

ClinVar aggregate classification (germline): Conflicting classifications of pathogenicity. Review status: criteria provided, conflicting classifications (1 of 4 stars). 3 submissions from 3 submitters: Uncertain significance (2); Likely benign (1). Last evaluated 2026-05-24.

Conditions:
Bethlem myopathy 1A. Also called: MYOPATHY, BENIGN CONGENITAL, WITH CONTRACTURES; Bethlem myopathy 1; Bethlem Muscular Dystrophy. Identifiers: Orphanet 610, MedGen CN029274, MONDO:0024530, OMIM 158810.
COL6A1-related disorder. Also called: COL6A1-related condition.

Allele frequency attached by ClinVar (database versions not stated): ExAC 0.00001; gnomAD exomes 0.00001 and 0.00002; TOPMed 0.00001; gnomAD 0.00002.
gnomAD v4.1: 25 of 1,605,518 alleles (0.0016%); highest among the groups gnomAD compares: Non-Finnish European, 0.0019%; no homozygotes.

Submissions (3):

PreventionGenetics, part of Exact Sciences
Classification: Uncertain significance for COL6A1-related condition. Last evaluated: 2026-05-24. Review status: criteria provided, single submitter. Criteria: ACMG Guidelines, 2015. Collection method: clinical testing. Allele origin: germline.
Comment: The COL6A1 c.2986G>A variant is predicted to result in the amino acid substitution p.Val996Met. To our knowledge, this variant has not been reported in the literature. This variant is reported in 0.0032% of alleles in individuals of European (Non-Finnish) descent in gnomAD. At this time, the clinical significance of this variant is uncertain due to the absence of conclusive functional and genetic evidence.

Labcorp Genetics (formerly Invitae), Labcorp
Classification: Likely benign for Bethlem myopathy 1A. Last evaluated: 2025-07-07. Review status: criteria provided, single submitter. Criteria: Invitae Variant Classification Sherloc (09022015). Collection method: clinical testing. Allele origin: germline.

Eurofins Ntd Llc (ga)
Classification: Uncertain significance. Last evaluated: 2015-10-04. Review status: criteria provided, single submitter. Criteria: EGL Classification Definitions 2015. Collection method: clinical testing. Allele origin: germline. Observed: 1 variant allele, 1 heterozygote.